The following is an entry in ClinVar:

NM_000213.5(ITGB4):c.3793+2dup

Gene: ITGB4 (integrin subunit beta 4; plus strand). Cytogenetic location: 17q25.1.
Variant type: Duplication.
Coding change: c.3793+2dup on transcript NM_000213.5 (MANE Select); the canonical splice donor site of the intron after coding-DNA position 3793, one base duplicated (T; older notation c.3793+2dupT).
Molecular consequence: splice donor variant.
Genome position (GRCh38, 1-based): chr17:75,751,113, T duplicated. VCF-style (leftmost placement, unchanged base first): chr17-75751112-G-GT. GRCh37 (hg19) VCF-style: chr17-73747193-G-GT.
Other names: c.3793+2dup (NM_001005731.3, NM_001438834.1, NM_001321123.2 and 1 more transcripts).
Identifiers: ClinVar variation 279813 (VCV000279813.3), dbSNP rs886041205, ClinGen allele CA10603406.

ClinVar aggregate classification (germline): Pathogenic. Review status: criteria provided, single submitter (1 of 4 stars). 2 submissions from 2 submitters: Pathogenic (1). 1 of the submissions does not count toward it. Last evaluated 2020-02-28.

Conditions:
Junctional epidermolysis bullosa with pyloric atresia. Also called: ITGB4-Related Epidermolysis Bullosa with Pyloric Atresia; ITGA6-Related Epidermolysis Bullosa with Pyloric Atresia; Epidermolysis bullosa, junctional, with pyloric atresia and aplasia cutis congenita; Epidermolysis bullosa junctionalis with pyloric atresia; APLASIA CUTIS CONGENITA WITH GASTROINTESTINAL ATRESIA; CARMI SYNDROME. Identifiers: Orphanet 79403, MedGen C5676875, MONDO:0009183, OMIM 226730.

Submissions (2):

GeneDx
Classification: Pathogenic. Last evaluated: 2020-02-28. Review status: criteria provided, single submitter. Criteria: GeneDx Variant Classification Process June 2021. Collection method: clinical testing. Allele origin: germline. Affected: yes.
Comment: Intronic splice site variant in a gene for which loss-of-function is a known mechanism of disease, other nearby splicing variants have been reported (c.3793+1G>A, c.3793+1G>C), and splice predictors support a deleterious effect (Stenson et al., 2014); Not observed in large population cohorts (Lek et al., 2016); This variant is associated with the following publications: (PMID: 7545057)

OMIM
Classification: Pathogenic for EPIDERMOLYSIS BULLOSA, JUNCTIONAL 5B, WITH PYLORIC ATRESIA. Last evaluated: 1995-06-01. Review status: no assertion criteria provided. Collection method: literature only. Allele origin: germline. Not counted in ClinVar's aggregate classification.

Literature cited by the submitters: PubMed 7545057 (cited by OMIM).